The following is an entry in ClinVar:

ClinVar aggregate classification (germline): Uncertain significance (1 of 4 stars; one submission).

Conditions:
Familial adenomatous polyposis 1 (FAP1). Also called: FAMILIAL ADENOMATOUS POLYPOSIS 1, ATTENUATED; POLYPOSIS, ADENOMATOUS INTESTINAL. Identifiers: MedGen C2713442, MONDO:0021056, OMIM 175100. Disease mechanism: loss of function.

Submission:

Labcorp Genetics (formerly Invitae), Labcorp
Classification: Uncertain significance for Familial adenomatous polyposis 1. Last evaluated: 2024-12-18. Review status: criteria provided, single submitter. Criteria: Invitae Variant Classification Sherloc (09022015). Collection method: clinical testing. Allele origin: germline.
Comment: This sequence change replaces valine, which is neutral and non-polar, with isoleucine, which is neutral and non-polar, at codon 1251 of the APC protein (p.Val1251Ile). This variant is not present in population databases (gnomAD no frequency). This variant has not been reported in the literature in individuals affected with APC-related conditions. Invitae Evidence Modeling of protein sequence and biophysical properties (such as structural, functional, and spatial information, amino acid conservation, physicochemical variation, residue mobility, and thermodynamic stability) indicates that this missense variant is not expected to disrupt APC protein function with a negative predictive value of 95%. In summary, the available evidence is currently insufficient to determine the role of this variant in disease. Therefore, it has been classified as a Variant of Uncertain Significance.

NM_000038.6(APC):c.3751G>A (p.Val1251Ile)

Gene: APC (APC regulator of Wnt signaling pathway; plus strand). Cytogenetic location: 5q22.2.
Variant type: single nucleotide variant.
Coding change: c.3751G>A on transcript NM_000038.6 (MANE Select); coding-DNA position 3751, G replaced by A.
Protein change: p.Val1251Ile; replaces valine 1251 with isoleucine.
Molecular consequence: missense variant. On other transcripts: non-coding transcript variant (2).
Genome position (GRCh38, 1-based): chr5:112,839,345, G>A. VCF-style: chr5-112839345-G-A. GRCh37 (hg19) VCF-style: chr5-112175042-G-A.
Other names: c.3751G>A, p.Val1251Ile (NM_001127510.3, NM_001354895.2, NM_001407450.1); c.3697G>A, p.Val1233Ile (NM_001127511.3); c.3805G>A, p.Val1269Ile (NM_001354896.2, NM_001407447.1, NM_001407448.1 and 1 more transcripts); c.3781G>A, p.Val1261Ile (NM_001354897.2); c.3676G>A, p.Val1226Ile (NM_001354898.2); c.3667G>A, p.Val1223Ile (NM_001354899.2); c.3628G>A, p.Val1210Ile (NM_001354900.2); c.3574G>A, p.Val1192Ile (NM_001354901.2, NM_001407453.1); and 11 more; short protein forms V1122I, V1223I, V1233I, V1244I, V1269I, V1279I, V1192I, V1251I.
Identifiers: ClinVar variation 3635451 (VCV003635451.2).
Genomic context (GRCh38, chr5:112,839,345, plus strand): 5'-CTCCATCCAAGTTCTGCACAGAGTAGAAGTGGTCAGCCTCAAAAGGCTGCCACTTGCAAA[G>A]TTTCTTCTATTAACCAAGAAACAATACAGACTTATTGTGTAGAAGATACTCCAATATGTT-3'
Protein context (NP_000029.2, residues 1241-1261): GQPQKAATCK[Val1251Ile]SSINQETIQT